The following is an entry in ClinVar:

ClinVar aggregate classification (germline): Uncertain significance. Review status: criteria provided, multiple submitters, no conflicts (2 of 4 stars). 2 submissions from 2 submitters: Uncertain significance (2). Last evaluated 2024-09-14.

Conditions:
Idiopathic generalized epilepsy. Also called: Generalised epilepsy; EIG. Identifiers: MedGen C0270850, MONDO:0005579, OMIM 600669.

Allele frequency attached by ClinVar (database versions not stated): TOPMed 0.00004; gnomAD exomes 0.00002; gnomAD 0.00004.
gnomAD v4.1: 26 of 1,519,758 alleles (0.0017%); highest among the groups gnomAD compares: African/African-American, 0.0056%; no homozygotes.

Submissions (2):

Labcorp Genetics (formerly Invitae), Labcorp
Classification: Uncertain significance for Idiopathic generalized epilepsy. Last evaluated: 2024-09-14. Review status: criteria provided, single submitter. Criteria: Invitae Variant Classification Sherloc (09022015). Collection method: clinical testing. Allele origin: germline.
Comment: This sequence change replaces glutamic acid, which is acidic and polar, with lysine, which is basic and polar, at codon 78 of the RBFOX3 protein (p.Glu78Lys). The frequency data for this variant in the population databases is considered unreliable, as metrics indicate poor data quality at this position in the gnomAD database. This variant has not been reported in the literature in individuals affected with RBFOX3-related conditions. ClinVar contains an entry for this variant (Variation ID: 566873). Invitae Evidence Modeling of protein sequence and biophysical properties (such as structural, functional, and spatial information, amino acid conservation, physicochemical variation, residue mobility, and thermodynamic stability) indicates that this missense variant is not expected to disrupt RBFOX3 protein function with a negative predictive value of 80%. In summary, the available evidence is currently insufficient to determine the role of this variant in disease. Therefore, it has been classified as a Variant of Uncertain Significance.

Ambry Genetics
Classification: Uncertain significance. Last evaluated: 2021-07-14. Review status: criteria provided, single submitter. Criteria: Ambry Variant Classification Scheme 2023. Collection method: clinical testing. Allele origin: germline.

NM_001350451.2(RBFOX3):c.232G>A (p.Glu78Lys)

Gene: RBFOX3 (RNA binding fox-1 homolog 3; minus strand). Cytogenetic location: 17q25.3.
Variant type: single nucleotide variant.
Coding change: c.232G>A on transcript NM_001350451.2 (MANE Select); coding-DNA position 232, G replaced by A.
Protein change: p.Glu78Lys; replaces glutamic acid 78 with lysine.
Molecular consequence: missense variant.
Genome position (GRCh38, 1-based): chr17:79,106,779, C>T on the plus strand (G>A on the coding strand, the complement: RBFOX3 is on the minus strand). VCF-style: chr17-79106779-C-T. GRCh37 (hg19) VCF-style: chr17-77102861-C-T.
Other names: c.232G>A, p.Glu78Lys (NM_001082575.3, NM_001350453.2, NM_001385804.1 and 36 more transcripts); c.229G>A, p.Glu77Lys (NM_001385806.1, NM_001385822.1, NM_001385823.1 and 4 more transcripts); c.232G>A (NM_001082575.1); short protein forms E78K, E77K.
Identifiers: ClinVar variation 566873 (VCV000566873.9), dbSNP rs1032718998, ClinGen allele CA294794366.
Genomic context (GRCh38, chr17:79,106,779, plus strand): 5'-GCTGCTGCTTCTCTGTAGGGTCGGAGGGGTGGAGCGGCTGGCTGTCCGTCTGTGCCGCCT[C>T]GTCTGTCTGCTGCAGGGAGAGGACTGGGCTGTGGAGGCTGCCTCTGTGTGCGGGGTTGCC-3'
Protein context (NP_001337380.1, residues 68-88): AGTQTVPQTD[Glu78Lys]AAQTDSQPLH